The following is an entry in ClinVar:

ClinVar aggregate classification (germline): Uncertain significance. Review status: criteria provided, multiple submitters, no conflicts (2 of 4 stars). 2 submissions from 2 submitters: Uncertain significance (2). Last evaluated 2022-08-09.

Conditions:
Hereditary spastic paraplegia 8 (SPG8). Also called: SPASTIC PARAPLEGIA 8, AUTOSOMAL DOMINANT. Identifiers: Orphanet 100989, MedGen C1863704, MONDO:0011339, OMIM 603563.
Ritscher-Schinzel syndrome. Also called: CRANIOCEREBELLOCARDIAC DYSPLASIA. Identifiers: Orphanet 7, MedGen C0796137, MONDO:0019078.
Ritscher-Schinzel syndrome 1 (RTSC1). Identifiers: Orphanet 7, MedGen C4551776, MONDO:0009073, OMIM 220210.

Allele frequency attached by ClinVar (database versions not stated): gnomAD exomes below 0.00001; ExAC 0.00001.
gnomAD v4.1: 2 of 1,613,998 alleles (0.00012%); highest among the groups gnomAD compares: Middle Eastern, 0.016%; no homozygotes.

Submissions (2):

Labcorp Genetics (formerly Invitae), Labcorp
Classification: Uncertain significance for Ritscher-Schinzel syndrome; Hereditary spastic paraplegia 8. Last evaluated: 2022-08-09. Review status: criteria provided, single submitter. Criteria: Invitae Variant Classification Sherloc (09022015). Collection method: clinical testing. Allele origin: germline.
Comment: In summary, the available evidence is currently insufficient to determine the role of this variant in disease. Therefore, it has been classified as a Variant of Uncertain Significance. Algorithms developed to predict the effect of missense changes on protein structure and function are either unavailable or do not agree on the potential impact of this missense change (SIFT: "Deleterious"; PolyPhen-2: "Probably Damaging"; Align-GVGD: "Class C0"). ClinVar contains an entry for this variant (Variation ID: 1299699). This variant has not been reported in the literature in individuals affected with WASHC5-related conditions. This variant is present in population databases (rs780468544, gnomAD 0.003%). This sequence change replaces lysine, which is basic and polar, with methionine, which is neutral and non-polar, at codon 810 of the WASHC5 protein (p.Lys810Met).

Breda Genetics srl
Classification: Uncertain significance for Ritscher-Schinzel syndrome 1. Last evaluated: 2020-09-22. Review status: criteria provided, single submitter. Criteria: ACMG Guidelines, 2015. Collection method: clinical testing. Allele origin: germline. Inheritance: Autosomal recessive inheritance. Affected: yes. Observed: 1 variant allele, 1 homozygote.
Comment: The variant c.2429A>T (p.Lys810Met) in the WASHC5 gene is reported with an estimated allele frequency of 0.000003979 in gnomAD exomes, with no homozygous individuals reported. The nucleotide position is conserved across 35 mammalian species (GERP RS: 5.41). In silico analysis indicates that the variant might be damaging.

NM_014846.4(WASHC5):c.2429A>T (p.Lys810Met)

Gene: WASHC5 (WASH complex subunit 5; minus strand). Cytogenetic location: 8q24.13.
Variant type: single nucleotide variant.
Coding change: c.2429A>T on transcript NM_014846.4 (MANE Select); coding-DNA position 2429, A replaced by T.
Protein change: p.Lys810Met; replaces lysine 810 with methionine.
Molecular consequence: missense variant.
Genome position (GRCh38, 1-based): chr8:125,047,282, T>A on the plus strand (A>T on the coding strand, the complement: WASHC5 is on the minus strand). VCF-style: chr8-125047282-T-A. GRCh37 (hg19) VCF-style: chr8-126059524-T-A.
Other names: c.1985A>T, p.Lys662Met (NM_001330609.2); short protein forms K662M, K810M.
Identifiers: ClinVar variation 1299699 (VCV001299699.6), dbSNP rs780468544, ClinGen allele CA4873526.
Genomic context (GRCh38, chr8:125,047,282, plus strand): 5'-CGCAGGATTTCTCTGCAGAGTCGACCAATAAACGTTACAGACTCATCCACAGGGGTAAAC[T>A]TGGGTATTGGAATATGAGTGGACTGGTACATGCTTTGCCAATCTTGAATCTAGAAAACAA-3'
Protein context (NP_055661.3, residues 800-820): MYQSTHIPIP[Lys810Met]FTPVDESVTF